The following is an entry in ClinVar:

NM_015681.6(B9D1):c.-70G>A

Gene: B9D1 (B9 domain containing 1; minus strand). Cytogenetic location: 17p11.2.
Variant type: single nucleotide variant.
Coding change: c.-70G>A on transcript NM_015681.6 (MANE Select); 70 bases upstream of the start codon, G replaced by A.
Molecular consequence: 5 prime UTR variant. On other transcripts: intron variant (1).
Genome position (GRCh38, 1-based): chr17:19,362,639, C>T on the plus strand (G>A on the coding strand, the complement: B9D1 is on the minus strand). VCF-style: chr17-19362639-C-T. GRCh37 (hg19) VCF-style: chr17-19265952-C-T.
Other names: c.-70G>A (NM_001321214.2, NM_001321215.3, NM_001321216.2 and 4 more transcripts); c.-297-2251G>A (NM_001368769.2).
Identifiers: ClinVar variation 322200 (VCV000322200.7), dbSNP rs2296978, ClinGen allele CA8440420.

ClinVar aggregate classification (germline): Benign/Likely benign. Review status: criteria provided, multiple submitters, no conflicts (2 of 4 stars). 4 submissions from 4 submitters: Benign (3); Likely benign (1). Last evaluated 2024-11-27.

Conditions:
Meckel syndrome, type 9 (MKS9). Identifiers: Orphanet 564, MedGen C3280155, MONDO:0013630, OMIM 614209.

Allele frequency attached by ClinVar (database versions not stated): ESP Exome Variant Server 0.01642; TOPMed 0.02122; gnomAD 0.02165 and 0.02299; gnomAD exomes 0.02744 and 0.02867; 1000 Genomes Project 30x 0.02748; 1000 Genomes Project 0.02835; ExAC 0.04646.

Submissions (4):

Blueprint Genetics
Classification: Likely benign. Last evaluated: 2024-11-27. Review status: criteria provided, single submitter. Criteria: ACMG Guidelines, 2015. Collection method: clinical testing. Allele origin: germline.

Illumina Laboratory Services, Illumina
Classification: Benign for Meckel syndrome, type 9. Last evaluated: 2018-01-13. Review status: criteria provided, single submitter. Criteria: ICSL Variant Classification Criteria 13 December 2019. Collection method: clinical testing. Allele origin: germline.
Comment: This variant was observed in the ICSL laboratory as part of a predisposition screen in an ostensibly healthy population. It had not been previously curated by ICSL or reported in the Human Gene Mutation Database (HGMD: prior to June 1st, 2018), and was therefore a candidate for classification through an automated scoring system. Utilizing variant allele frequency, disease prevalence and penetrance estimates, and inheritance mode, an automated score was calculated to assess if this variant is too frequent to cause the disease. Based on the score and internal cut-off values, a variant classified as benign is not then subjected to further curation. The score for this variant resulted in a classification of benign for this disease.

GeneDx
Classification: Benign. Last evaluated: 2016-04-25. Review status: criteria provided, single submitter. Criteria: GeneDx Variant Classification (06012015). Collection method: clinical testing. Allele origin: germline. Affected: yes.
Comment: This variant is considered likely benign or benign based on one or more of the following criteria: it is a conservative change, it occurs at a poorly conserved position in the protein, it is predicted to be benign by multiple in silico algorithms, and/or has population frequency not consistent with disease.

Breakthrough Genomics
Classification: Benign. Review status: criteria provided, single submitter. Criteria: ACMG Guidelines, 2015. Collection method: not provided. Allele origin: germline. Inheritance: Autosomal recessive inheritance. Affected: yes.